The following is an entry in ClinVar:

NM_213655.5(WNK1):c.3234_3235delinsTA (p.Gln1079Lys)

Gene: WNK1 (WNK lysine deficient protein kinase 1; plus strand). Cytogenetic location: 12p13.33.
Variant type: Indel.
Coding change: c.3234_3235delinsTA on transcript NM_213655.5 (MANE Plus Clinical); coding-DNA positions 3234 to 3235, GC replaced by TA.
Protein change: p.Gln1079Lys; replaces glutamine 1079 with lysine.
Molecular consequence: missense variant. On other transcripts: intron variant (2).
Genome position (GRCh38, 1-based): chr12:868,705-868,706, GC replaced by TA. VCF-style: chr12-868705-GC-TA. GRCh37 (hg19) VCF-style: chr12-977871-GC-TA.
Other names: c.2979_2980delinsTA, p.Gln994Lys (NM_001184985.2); c.2140-2560_2140-2559delinsTA (NM_018979.4, NM_014823.3); short protein forms Q994K, Q1079K.
Identifiers: ClinVar variation 2930564 (VCV002930564.3), dbSNP rs2548799612, ClinGen allele CA2740092297.
Genomic context (GRCh38, chr12:868,705, plus strand): 5'-ACCAAGCTCCTCTTCAGGAGAAGGAGGTGGAATTTTACCTCAGCGTGTTTACCGAAATCG[GC>TA]AGGTTGCAGTGGACTTGAATCAAGAAGAACTGCCTCCTCAATCAGTTGGATTACATGGCT-3'
Protein context (NP_998820.3, residues 1069-1089): ILPQRVYRNR[Gln1079Lys]VAVDLNQEEL

ClinVar aggregate classification (germline): Uncertain significance (1 of 4 stars; one submission).

Conditions:
Neuropathy, hereditary sensory and autonomic, type 2A (HSAN2A). Also called: HSAN IIA; WNK1-Related HSAN2 (HSAN2A); ACROOSTEOLYSIS, GIACCAI TYPE; ACROOSTEOLYSIS, NEUROGENIC; MORVAN DISEASE; NEUROPATHY, CONGENITAL SENSORY. Identifiers: Orphanet 970, MedGen C2752089, MONDO:0024309, OMIM 201300.
Pseudohypoaldosteronism type 2C (PHA2C). Also called: Pseudohypoaldosteronism Type IIC. Identifiers: Orphanet 757, Orphanet 88940, MedGen C1840391, MONDO:0013778, OMIM 614492.

Submission:

Labcorp Genetics (formerly Invitae), Labcorp
Classification: Uncertain significance for Neuropathy, hereditary sensory and autonomic, type 2A; Pseudohypoaldosteronism type 2C. Last evaluated: 2023-12-28. Review status: criteria provided, single submitter. Criteria: Invitae Variant Classification Sherloc (09022015). Collection method: clinical testing. Allele origin: germline.
Comment: This sequence change replaces glutamine, which is neutral and polar, with lysine, which is basic and polar, at codon 1079 of the WNK1 protein (p.Gln1079Lys). Information on the frequency of this variant in the gnomAD database is not available, as this variant may be reported differently in the database. This variant has not been reported in the literature in individuals affected with WNK1-related conditions. Experimental studies and prediction algorithms are not available or were not evaluated, and the functional significance of this variant is currently unknown. In summary, the available evidence is currently insufficient to determine the role of this variant in disease. Therefore, it has been classified as a Variant of Uncertain Significance.